The following is an entry in ClinVar:

NM_001429.4(EP300):c.4065C>G (p.Tyr1355Ter)

Gene: EP300 (EP300 lysine acetyltransferase; plus strand). Cytogenetic location: 22q13.2.
Variant type: single nucleotide variant.
Coding change: c.4065C>G on transcript NM_001429.4 (MANE Select); coding-DNA position 4065, C replaced by G.
Protein change: p.Tyr1355Ter; replaces tyrosine 1355 with a stop codon.
Molecular consequence: nonsense.
Genome position (GRCh38, 1-based): chr22:41,168,760, C>G. VCF-style: chr22-41168760-C-G. GRCh37 (hg19) VCF-style: chr22-41564764-C-G.
Other names: c.3987C>G, p.Tyr1329Ter (NM_001362843.2); short protein forms Y1355*, Y1329*.
Identifiers: ClinVar variation 1365909 (VCV001365909.6), dbSNP rs886043598, ClinGen allele CA411699958.

ClinVar aggregate classification (germline): Pathogenic (1 of 4 stars; one submission).

Conditions:
Rubinstein-Taybi syndrome due to EP300 haploinsufficiency. Also called: EP300-Related Rubinstein-Taybi Syndrome; RUBINSTEIN-TAYBI SYNDROME 2. Identifiers: Orphanet 353284, Orphanet 783, MedGen C3150941, MONDO:0013364, OMIM 613684.

Submission:

Labcorp Genetics (formerly Invitae), Labcorp
Classification: Pathogenic for Rubinstein-Taybi syndrome due to EP300 haploinsufficiency. Last evaluated: 2024-12-09. Review status: criteria provided, single submitter. Criteria: Invitae Variant Classification Sherloc (09022015). Collection method: clinical testing. Allele origin: germline.
Comment: This sequence change creates a premature translational stop signal (p.Tyr1355*) in the EP300 gene. It is expected to result in an absent or disrupted protein product. Loss-of-function variants in EP300 are known to be pathogenic (PMID: 15706485, 24476420). This variant is not present in population databases (gnomAD no frequency). This variant has not been reported in the literature in individuals affected with EP300-related conditions. ClinVar contains an entry for this variant (Variation ID: 1365909). Algorithms developed to predict the effect of sequence changes on RNA splicing suggest that this variant may disrupt the consensus splice site. For these reasons, this variant has been classified as Pathogenic.

Literature cited by the submitters: PubMed 15706485; PubMed 24476420.